The following is an entry in ClinVar:

ClinVar aggregate classification (germline): Uncertain significance (1 of 4 stars; one submission).

Conditions:
Chédiak-Higashi syndrome (CHS). Also called: Chediak-Higashi Syndrome. Identifiers: Orphanet 167, MedGen C0007965, MONDO:0008963, OMIM 214500.

Submission:

Labcorp Genetics (formerly Invitae), Labcorp
Classification: Uncertain significance for Chédiak-Higashi syndrome. Last evaluated: 2021-09-15. Review status: criteria provided, single submitter. Criteria: Invitae Variant Classification Sherloc (09022015). Collection method: clinical testing. Allele origin: germline.
Comment: This sequence change falls in intron 21 of the LYST gene. It does not directly change the encoded amino acid sequence of the LYST protein. It affects a nucleotide within the consensus splice site of the intron. This variant is present in population databases (rs766233496, ExAC 0.02%). This variant has not been reported in the literature in individuals affected with LYST-related conditions. Variants that disrupt the consensus splice site are a relatively common cause of aberrant splicing (PMID: 17576681, 9536098). Algorithms developed to predict the effect of sequence changes on RNA splicing suggest that this variant may disrupt the consensus splice site. In summary, the available evidence is currently insufficient to determine the role of this variant in disease. Therefore, it has been classified as a Variant of Uncertain Significance.

Literature cited by the submitters: PubMed 17576681; PubMed 9536098.

NM_000081.4(LYST):c.6121+5del

Gene: LYST (lysosomal trafficking regulator; minus strand). Cytogenetic location: 1q42.3.
Variant type: Deletion.
Coding change: c.6121+5del on transcript NM_000081.4 (MANE Select); 5 bases into the intron after coding-DNA position 6121, one base deleted (G; older notation c.6121+5delG).
Molecular consequence: intron variant.
Genome position (GRCh38, 1-based): chr1:235,766,074, C deleted on the plus strand (G on the coding strand, the reverse complement: LYST is on the minus strand); the first of 2 consecutive C bases (chr1:235,766,074-235,766,075); deleting either gives the same sequence. VCF-style (leftmost placement, unchanged base first): chr1-235766073-AC-A. GRCh37 (hg19) VCF-style: chr1-235929373-AC-A.
Other names: c.6121+5del (NM_001301365.1).
Identifiers: ClinVar variation 1388579 (VCV001388579.3), dbSNP rs766233496, ClinGen allele CA1466456.